The following is an entry in ClinVar:

ClinVar aggregate classification (germline): Pathogenic (1 of 4 stars; one submission).

Submission:

GeneDx
Classification: Pathogenic. Last evaluated: 2024-11-26. Review status: criteria provided, single submitter. Criteria: GeneDx Variant Classification Process June 2021. Collection method: clinical testing. Allele origin: germline. Affected: yes.
Comment: Nonsense variant predicted to result in protein truncation or nonsense mediated decay in a gene for which loss of function is a known mechanism of disease; Not observed at significant frequency in large population cohorts (gnomAD); Has not been previously published as pathogenic or benign to our knowledge

NM_007118.4(TRIO):c.3051C>G (p.Tyr1017Ter)

Gene: TRIO (trio Rho guanine nucleotide exchange factor; plus strand). Cytogenetic location: 5p15.2.
Variant type: single nucleotide variant.
Coding change: c.3051C>G on transcript NM_007118.4 (MANE Select); coding-DNA position 3051, C replaced by G.
Protein change: p.Tyr1017Ter; replaces tyrosine 1017 with a stop codon.
Molecular consequence: nonsense. On other transcripts: non-coding transcript variant (1).
Genome position (GRCh38, 1-based): chr5:14,368,884, C>G. VCF-style: chr5-14368884-C-G. GRCh37 (hg19) VCF-style: chr5-14368993-C-G.
Other names: short protein forms Y1017*.
Identifiers: ClinVar variation 3900262 (VCV003900262.1).